The following is an entry in ClinVar:

NM_000038.6(APC):c.6168C>G (p.Leu2056=)

Gene: APC (APC regulator of Wnt signaling pathway; plus strand). Cytogenetic location: 5q22.2.
Variant type: single nucleotide variant.
Coding change: c.6168C>G on transcript NM_000038.6 (MANE Select); coding-DNA position 6168, C replaced by G.
Protein change: p.Leu2056=; no amino-acid change (leucine 2056 retained).
Molecular consequence: synonymous variant.
Genome position (GRCh38, 1-based): chr5:112,841,762, C>G. VCF-style: chr5-112841762-C-G. GRCh37 (hg19) VCF-style: chr5-112177459-C-G.
Other names: c.6168C>G, p.Leu2056= (NM_001127510.3, NM_001354895.2); c.6114C>G, p.Leu2038= (NM_001127511.3); c.6222C>G, p.Leu2074= (NM_001354896.2); c.6198C>G, p.Leu2066= (NM_001354897.2); c.6093C>G, p.Leu2031= (NM_001354898.2); c.6084C>G, p.Leu2028= (NM_001354899.2); c.6045C>G, p.Leu2015= (NM_001354900.2); c.5991C>G, p.Leu1997= (NM_001354901.2); and 5 more.
Identifiers: ClinVar variation 236628 (VCV000236628.21), dbSNP rs878853461, ClinGen allele CA10582329.

ClinVar aggregate classification (germline): Benign/Likely benign. Review status: criteria provided, multiple submitters, no conflicts (2 of 4 stars). 8 submissions from 8 submitters: Benign (1); Likely benign (7). Last evaluated 2025-06-04.

Conditions:
Classic or attenuated familial adenomatous polyposis. Identifiers: MedGen CN372698, MONDO:0021057.
Hereditary cancer-predisposing syndrome. Also called: Hereditary neoplastic syndrome; Hereditary Cancer Syndrome; Neoplastic Syndromes, Hereditary; Tumor predisposition. Identifiers: Orphanet 140162, MedGen C0027672, MeSH D009386, MONDO:0015356.
Familial adenomatous polyposis 1 (FAP1). Also called: FAMILIAL ADENOMATOUS POLYPOSIS 1, ATTENUATED; POLYPOSIS, ADENOMATOUS INTESTINAL. Identifiers: MedGen C2713442, MONDO:0021056, OMIM 175100. Disease mechanism: loss of function.

Allele frequency attached by ClinVar (database versions not stated): gnomAD exomes below 0.00001; gnomAD 0.00001; TOPMed 0.00002.
gnomAD v4.1: 2 of 1,613,890 alleles (0.00012%); highest among the groups gnomAD compares: African/African-American, 0.0027%; no homozygotes.

Submissions (8):

Labcorp Genetics (formerly Invitae), Labcorp
Classification: Likely benign for Familial adenomatous polyposis 1. Last evaluated: 2025-06-04. Review status: criteria provided, single submitter. Criteria: Invitae Variant Classification Sherloc (09022015). Collection method: clinical testing. Allele origin: germline.

Myriad Genetics, Inc.
Classification: Benign for Familial adenomatous polyposis 1. Last evaluated: 2024-04-03. Review status: criteria provided, single submitter. Criteria: Myriad Autosomal Dominant, Autosomal Recessive and X-Linked Classification Criteria (2023). Collection method: clinical testing. Allele origin: unknown.
Comment: This variant is considered benign. This variant is a silent/synonymous amino acid change and it is not expected to impact splicing.

All of Us Research Program, National Institutes of Health
Classification: Likely benign for Classic or attenuated familial adenomatous polyposis. Last evaluated: 2023-05-08. Review status: criteria provided, single submitter. Criteria: ACMG Guidelines, 2015. Collection method: clinical testing. Allele origin: germline. Inheritance: Autosomal dominant inheritance. Observed: 1 variant allele, 1 heterozygote.
Comment: This study involves interpretation of variants in research participants for the purpose of population health screening. Participant phenotype was not available at the time of variant classification. Additional details can be found in publication PMID: 35346344, PMCID: PMC8962531

Sema4
Classification: Likely benign for Hereditary cancer-predisposing syndrome. Last evaluated: 2021-08-27. Review status: criteria provided, single submitter. Criteria: Sema4 Curation Guidelines. Collection method: curation. Allele origin: germline.

Ambry Genetics
Classification: Likely benign for Hereditary cancer-predisposing syndrome. Last evaluated: 2020-09-02. Review status: criteria provided, single submitter. Criteria: Ambry Variant Classification Scheme 2023. Collection method: clinical testing. Allele origin: germline.

Quest Diagnostics Nichols Institute San Juan Capistrano
Classification: Likely benign. Last evaluated: 2020-06-23. Review status: criteria provided, single submitter. Criteria: Quest Diagnostics criteria. Collection method: clinical testing. Allele origin: unknown.

GeneDx
Classification: Likely benign. Last evaluated: 2018-10-30. Review status: criteria provided, single submitter. Criteria: GeneDx Variant Classification Process June 2021. Collection method: clinical testing. Allele origin: germline. Affected: yes.

Color Diagnostics, LLC DBA Color Health
Classification: Likely benign for Hereditary cancer-predisposing syndrome. Last evaluated: 2018-05-21. Review status: criteria provided, single submitter. Criteria: ACMG Guidelines, 2015. Collection method: clinical testing. Allele origin: germline.